The following is an entry in ClinVar:

NM_001267550.2(TTN):c.18589G>C (p.Glu6197Gln)

Genes: TTN (titin; minus strand), LOC126806430 (BRD4-independent group 4 enhancer GRCh37_chr2:179593794-179594993; plus strand). Cytogenetic location: 2q31.2.
Variant type: single nucleotide variant.
Coding change: c.18589G>C on transcript NM_001267550.2 (MANE Select); coding-DNA position 18589, G replaced by C.
Protein change: p.Glu6197Gln; replaces glutamic acid 6197 with glutamine.
Molecular consequence: missense variant. On other transcripts: intron variant (3).
Genome position (GRCh38, 1-based): chr2:178,729,664, C>G on the plus strand (G>C on the coding strand, the complement: TTN is on the minus strand). VCF-style: chr2-178729664-C-G. GRCh37 (hg19) VCF-style: chr2-179594391-C-G.
Other names: c.17638G>C, p.Glu5880Gln (NM_001256850.1); c.14857G>C, p.Glu4953Gln (NM_133378.4); c.13282+8418G>C (NM_003319.4); c.13858+8418G>C (NM_133437.4); c.13657+8418G>C (NM_133432.3); short protein forms E4953Q, E5880Q, E6197Q.
Identifiers: ClinVar variation 994851 (VCV000994851.3), dbSNP rs753281535, ClinGen allele CA2001593.

ClinVar aggregate classification (germline): Uncertain significance. Review status: criteria provided, multiple submitters, no conflicts (2 of 4 stars). 3 submissions from 3 submitters: Uncertain significance (3). Last evaluated 2025-10-08.

Conditions:
Dilated cardiomyopathy 1G (CMD1G). Identifiers: Orphanet 154, MedGen C1858763, MONDO:0011400, OMIM 604145.
Autosomal recessive limb-girdle muscular dystrophy type 2J (LGMDR10). Also called: Limb-girdle muscular dystrophy, type 2J; MUSCULAR DYSTROPHY, LIMB-GIRDLE, AUTOSOMAL RECESSIVE 10. Identifiers: Orphanet 140922, MedGen C1837342, MONDO:0012127, OMIM 608807.
Hypertrophic cardiomyopathy 9. Also called: Familial hypertrophic cardiomyopathy 9. Identifiers: MedGen C1861065, MONDO:0013412, OMIM 613765.
Early-onset myopathy with fatal cardiomyopathy (CMYO5). Also called: CONGENITAL MYOPATHY 5 WITH CARDIOMYOPATHY; Salih Myopathy. Identifiers: Orphanet 289377, MedGen C2673677, MONDO:0012714, OMIM 611705. Disease mechanism: loss of function.
Myopathy, myofibrillar, 9, with early respiratory failure (MFM9). Also called: EDSTROM MYOPATHY; MYOPATHY, PROXIMAL, WITH EARLY RESPIRATORY MUSCLE INVOLVEMENT; Hereditary myopathy with early respiratory failure; Myopathy, distal, with early respiratory failure, autosomal dominant. Identifiers: Orphanet 178464, Orphanet 34521, MedGen C1863599, MONDO:0011362, OMIM 603689.
Tibial muscular dystrophy (TMD). Also called: Tibial muscular dystrophy, tardive; UDD MYOPATHY; Udd Distal Myopathy – Tibial Muscular Dystrophy. Identifiers: Orphanet 609, MedGen C1838244, MONDO:0010870, OMIM 600334.

Allele frequency attached by ClinVar (database versions not stated): gnomAD exomes below 0.00001; TOPMed below 0.00001; ExAC 0.00001; gnomAD 0.00001.
gnomAD v4.1: 2 of 1,613,600 alleles (0.00012%); highest among the groups gnomAD compares: African/African-American, 0.0013%; no homozygotes.

Submissions (3):

Labcorp Genetics (formerly Invitae), Labcorp
Classification: Uncertain significance for Dilated cardiomyopathy 1G; Autosomal recessive limb-girdle muscular dystrophy type 2J. Last evaluated: 2025-10-08. Review status: criteria provided, single submitter. Criteria: Invitae Variant Classification Sherloc (09022015). Collection method: clinical testing. Allele origin: germline.
Comment: This sequence change replaces glutamic acid, which is acidic and polar, with glutamine, which is neutral and polar, at codon 6197 of the TTN protein (p.Glu6197Gln). This variant also falls at the last nucleotide of exon 63, which is part of the consensus splice site for this exon. This variant is present in population databases (rs753281535, gnomAD 0.0009%). This variant has not been reported in the literature in individuals affected with TTN-related conditions. ClinVar contains an entry for this variant (Variation ID: 994851). Experimental studies and prediction algorithms are not available or were not evaluated, and the functional significance of this variant is currently unknown. Variants that disrupt the consensus splice site are a relatively common cause of aberrant splicing (PMID: 17576681, 9536098). Algorithms developed to predict the effect of sequence changes on RNA splicing suggest that this variant may disrupt the consensus splice site. This variant is located in the I band of TTN (PMID: 25589632). Non-truncating variants in this region may be clinically relevant, but have not been definitively shown to cause cardiomyopathy or neuromuscular disease (PMID: 27493940, 32778822). In summary, the available evidence is currently insufficient to determine the role of this variant in disease. Therefore, it has been classified as a Variant of Uncertain Significance.

Fulgent Genetics
Classification: Uncertain significance for Tibial muscular dystrophy; Myopathy, myofibrillar, 9, with early respiratory failure; Dilated cardiomyopathy 1G; Autosomal recessive limb-girdle muscular dystrophy type 2J; Early-onset myopathy with fatal cardiomyopathy; Hypertrophic cardiomyopathy 9. Last evaluated: 2021-07-07. Review status: criteria provided, single submitter. Criteria: ACMG Guidelines, 2015. Collection method: clinical testing. Allele origin: unknown.

Athena Diagnostics
Classification: Uncertain significance. Last evaluated: 2019-11-04. Review status: criteria provided, single submitter. Criteria: Athena Diagnostics Criteria. Collection method: clinical testing. Allele origin: unknown.

Literature cited by the submitters: PubMed 17576681 (cited by Labcorp Genetics (formerly Invitae), Labcorp); PubMed 9536098 (cited by Labcorp Genetics (formerly Invitae), Labcorp); PubMed 25589632 (cited by Labcorp Genetics (formerly Invitae), Labcorp); PubMed 27493940 (cited by Labcorp Genetics (formerly Invitae), Labcorp); PubMed 32778822 (cited by Labcorp Genetics (formerly Invitae), Labcorp).